The following is an entry in ClinVar:

ClinVar aggregate classification (germline): Uncertain significance. Review status: criteria provided, multiple submitters, no conflicts (2 of 4 stars). 4 submissions from 4 submitters: Uncertain significance (3). 1 of the submissions does not count toward it. Last evaluated 2024-12-17.

Conditions:
Hereditary cancer-predisposing syndrome. Also called: Tumor predisposition; Hereditary Cancer Syndrome; Neoplastic Syndromes, Hereditary; Hereditary neoplastic syndrome. Identifiers: Orphanet 140162, MedGen C0027672, MeSH D009386, MONDO:0015356.
Ataxia-telangiectasia syndrome (AT). Also called: Cerebello-oculocutaneous telangiectasia; Immunodeficiency with ataxia telangiectasia; Ataxia-telangiectasia, complementation group D; AT, COMPLEMENTATION GROUP C; Ataxia-telangiectasia, complementation group E; LOUIS-BAR SYNDROME. Identifiers: Orphanet 100, MedGen C0004135, MONDO:0008840, OMIM 208900.

Allele frequency attached by ClinVar (database versions not stated): gnomAD exomes below 0.00001; TOPMed below 0.00001; gnomAD 0.00001.
gnomAD v4.1: 4 of 1,613,402 alleles (0.00025%); highest among the groups gnomAD compares: South Asian, 0.0011%; no homozygotes.

Submissions (4):

Labcorp Genetics (formerly Invitae), Labcorp
Classification: Uncertain significance for Ataxia-telangiectasia syndrome. Last evaluated: 2024-12-17. Review status: criteria provided, single submitter. Criteria: Invitae Variant Classification Sherloc (09022015). Collection method: clinical testing. Allele origin: germline.
Comment: This sequence change replaces tyrosine, which is neutral and polar, with cysteine, which is neutral and slightly polar, at codon 1203 of the ATM protein (p.Tyr1203Cys). This variant is not present in population databases (gnomAD no frequency). This variant has not been reported in the literature in individuals affected with ATM-related conditions. ClinVar contains an entry for this variant (Variation ID: 453477). Invitae Evidence Modeling of protein sequence and biophysical properties (such as structural, functional, and spatial information, amino acid conservation, physicochemical variation, residue mobility, and thermodynamic stability) indicates that this missense variant is not expected to disrupt ATM protein function with a negative predictive value of 95%. In summary, the available evidence is currently insufficient to determine the role of this variant in disease. Therefore, it has been classified as a Variant of Uncertain Significance.

Color Diagnostics, LLC DBA Color Health
Classification: Uncertain significance for Hereditary cancer-predisposing syndrome. Last evaluated: 2024-09-03. Review status: criteria provided, single submitter. Criteria: ACMG Guidelines, 2015. Collection method: clinical testing. Allele origin: germline.
Comment: This missense variant replaces tyrosine with cysteine at codon 1203 of the ATM protein. Computational prediction suggests that this variant may not impact protein structure and function (internally defined REVEL score threshold <= 0.5, PMID: 27666373). To our knowledge, functional studies have not been reported for this variant. This variant has not been reported in individuals affected with ATM-related disorders in the literature. This variant has not been identified in the general population by the Genome Aggregation Database (gnomAD). The available evidence is insufficient to determine the role of this variant in disease conclusively. Therefore, this variant is classified as a Variant of Uncertain Significance.

Ambry Genetics
Classification: Uncertain significance for Hereditary cancer-predisposing syndrome. Last evaluated: 2024-03-24. Review status: criteria provided, single submitter. Criteria: Ambry Variant Classification Scheme 2023. Collection method: clinical testing. Allele origin: germline.
Comment: The p.Y1203C variant (also known as c.3608A>G), located in coding exon 24 of the ATM gene, results from an A to G substitution at nucleotide position 3608. The tyrosine at codon 1203 is replaced by cysteine, an amino acid with highly dissimilar properties. This amino acid position is well conserved in available vertebrate species. In addition, this alteration is predicted to be tolerated by in silico analysis. Since supporting evidence is limited at this time, the clinical significance of this alteration remains unclear.

Natera, Inc.
Classification: Uncertain significance for Ataxia-telangiectasia. Last evaluated: 2020-03-24. Review status: no assertion criteria provided. Collection method: clinical testing. Allele origin: germline. Not counted in ClinVar's aggregate classification.

NM_000051.4(ATM):c.3608A>G (p.Tyr1203Cys)

Gene: ATM (ATM serine/threonine kinase; plus strand). Cytogenetic location: 11q22.3.
Variant type: single nucleotide variant.
Coding change: c.3608A>G on transcript NM_000051.4 (MANE Select); coding-DNA position 3608, A replaced by G.
Protein change: p.Tyr1203Cys; replaces tyrosine 1203 with cysteine.
Molecular consequence: missense variant.
Genome position (GRCh38, 1-based): chr11:108,282,741, A>G. VCF-style: chr11-108282741-A-G. GRCh37 (hg19) VCF-style: chr11-108153468-A-G.
Other names: c.3608A>G, p.Tyr1203Cys (NM_001351834.2); short protein forms Y1203C.
Identifiers: ClinVar variation 453477 (VCV000453477.21), dbSNP rs1453849799, ClinGen allele CA382522744.